The following is an entry in ClinVar:

NM_000827.4(GRIA1):c.2201C>G (p.Thr734Ser)

Gene: GRIA1 (glutamate ionotropic receptor AMPA type subunit 1; plus strand). Cytogenetic location: 5q33.2.
Variant type: single nucleotide variant.
Coding change: c.2201C>G on transcript NM_000827.4 (MANE Select); coding-DNA position 2201, C replaced by G.
Protein change: p.Thr734Ser; replaces threonine 734 with serine.
Molecular consequence: missense variant. On other transcripts: non-coding transcript variant (2).
Genome position (GRCh38, 1-based): chr5:153,770,346, C>G. VCF-style: chr5-153770346-C-G. GRCh37 (hg19) VCF-style: chr5-153149906-C-G.
Other names: c.2201C>G, p.Thr734Ser (NM_001114183.2); c.1961C>G, p.Thr654Ser (NM_001258019.2); c.1916C>G, p.Thr639Ser (NM_001258020.2); c.2231C>G, p.Thr744Ser (NM_001258021.2, NM_001258022.2); c.1994C>G, p.Thr665Ser (NM_001258023.1, NM_001364167.2); c.2033C>G, p.Thr678Ser (NM_001364165.2); c.2228C>G, p.Thr743Ser (NM_001364166.2); short protein forms T639S, T654S, T665S, T678S, T734S, T743S, T744S.
Identifiers: ClinVar variation 1304057 (VCV001304057.2), dbSNP rs142264512, ClinGen allele CA362003220.

ClinVar aggregate classification (germline): Uncertain significance (1 of 4 stars; one submission).

Submission:

GeneDx
Classification: Uncertain significance. Last evaluated: 2019-08-02. Review status: criteria provided, single submitter. Criteria: GeneDx Variant Classification Process June 2021. Collection method: clinical testing. Allele origin: germline. Affected: yes.
Comment: Not observed in large population cohorts (Lek et al., 2016); In silico analysis, which includes protein predictors and evolutionary conservation, supports a deleterious effect; Has not been previously published as pathogenic or benign to our knowledge; Variants in candidate genes are classified as variants of uncertain significance in accordance with ACMG guidelines (Richards et al., 2015)